The following is an entry in ClinVar:

ClinVar aggregate classification (germline): Uncertain significance. Review status: criteria provided, multiple submitters, no conflicts (2 of 4 stars). 8 submissions from 7 submitters: Uncertain significance (7). 1 of the submissions does not count toward it. Last evaluated 2026-01-26.

Conditions:
Dilated cardiomyopathy 1GG (CMD1GG). Identifiers: Orphanet 154, MedGen C3150898, MONDO:0013339, OMIM 613642.
Neurodegeneration with ataxia and late-onset optic atrophy. Identifiers: MedGen C5543254, MONDO:0031006, OMIM 619259.
Mitochondrial complex II deficiency, nuclear type 1. Also called: SUCCINATE CoQ REDUCTASE DEFICIENCY. Identifiers: Orphanet 3208, MedGen C5700310, MONDO:0100294, OMIM 252011.
Pheochromocytoma/paraganglioma syndrome 5. Also called: SDHA-Related Hereditary Paraganglioma-Pheochromocytoma Syndrome; Paragangliomas 5. Identifiers: Orphanet 29072, MedGen C3279992, MONDO:0013602, OMIM 614165.
SDHA-related disorder. Also called: SDHA-related disorders; SDHA-related condition.
Hereditary cancer-predisposing syndrome. Also called: Neoplastic Syndromes, Hereditary; Hereditary Cancer Syndrome; Tumor predisposition; Hereditary neoplastic syndrome. Identifiers: Orphanet 140162, MedGen C0027672, MeSH D009386, MONDO:0015356.

Allele frequency attached by ClinVar (database versions not stated): ExAC 0.00002; gnomAD exomes 0.00004 and 0.00009; TOPMed 0.00007; ESP Exome Variant Server 0.00015.
gnomAD v4.1: 145 of 1,613,890 alleles (0.009%); highest among the groups gnomAD compares: Non-Finnish European, 0.012%; no homozygotes.

Submissions (8):

Labcorp Genetics (formerly Invitae), Labcorp
Classification: Uncertain significance for Pheochromocytoma/paraganglioma syndrome 5; Mitochondrial complex II deficiency, nuclear type 1. Last evaluated: 2026-01-26. Review status: criteria provided, single submitter. Criteria: Invitae Variant Classification Sherloc (09022015). Collection method: clinical testing. Allele origin: germline.
Comment: This sequence change replaces proline, which is neutral and non-polar, with arginine, which is basic and polar, at codon 372 of the SDHA protein (p.Pro372Arg). This variant is present in population databases (rs141493530, gnomAD 0.009%). This missense change has been observed in individual(s) with paraganglioma-pheochromocytoma syndrome (PMID: 28384794, 29177515). ClinVar contains an entry for this variant (Variation ID: 412361). Invitae Evidence Modeling of protein sequence and biophysical properties (such as structural, functional, and spatial information, amino acid conservation, physicochemical variation, residue mobility, and thermodynamic stability) indicates that this missense variant is not expected to disrupt SDHA protein function with a negative predictive value of 95%. Experimental studies have shown that this missense change does not substantially affect SDHA function (PMID: 39321216). In summary, the available evidence is currently insufficient to determine the role of this variant in disease. Therefore, it has been classified as a Variant of Uncertain Significance.

Ambry Genetics
Classification: Uncertain significance for Hereditary cancer-predisposing syndrome. Last evaluated: 2025-12-17. Review status: criteria provided, single submitter. Criteria: Ambry Variant Classification Scheme 2023. Collection method: clinical testing. Allele origin: germline.
Comment: The p.P372R variant (also known as c.1115C>G), located in coding exon 9 of the SDHA gene, results from a C to G substitution at nucleotide position 1115. The proline at codon 372 is replaced by arginine, an amino acid with dissimilar properties. This variant was reported in individual(s) with features consistent with SDHA-related hereditary pheochromocytoma-paraganglioma (Bausch B et al. JAMA Oncol, 2017 Sep;3:1204-1212; van der Tuin K et al. J Clin Endocrinol Metab, 2018 Feb;103:438-445; Ambry internal data). In an assay testing SDHA function, this variant showed a functionally normal result (Kent JD et al. Clin Cancer Res, 2024 Dec;30:5399-5412). This amino acid position is highly conserved in available vertebrate species. In addition, this alteration is predicted to be deleterious by in silico analysis. Based on the available evidence, the clinical significance of this variant remains unclear.

GeneDx
Classification: Uncertain significance. Last evaluated: 2024-05-22. Review status: criteria provided, single submitter. Criteria: GeneDx Variant Classification Process June 2021. Collection method: clinical testing. Allele origin: germline. Affected: yes.
Comment: Not observed at significant frequency in large population cohorts (gnomAD); In silico analysis supports that this missense variant has a deleterious effect on protein structure/function; Observed in individuals with paraganglioma, neuroendocrine neoplasm, or ovarian cancer (PMID: 28384794, 29177515, 36947458, 38473309); This variant is associated with the following publications: (PMID: 29177515, 28384794, 36947458, 38473309)

Baylor Genetics
Classification: Uncertain significance for Dilated cardiomyopathy 1GG. Last evaluated: 2024-02-20. Review status: criteria provided, single submitter. Criteria: ACMG Guidelines, 2015. Collection method: clinical testing. Allele origin: unknown.

Baylor Genetics
Classification: Uncertain significance for Neurodegeneration with ataxia and late-onset optic atrophy. Last evaluated: 2022-02-23. Review status: criteria provided, single submitter. Criteria: ACMG Guidelines, 2015. Collection method: clinical testing. Allele origin: unknown.

Institute for Clinical Genetics, University Hospital TU Dresden, University Hospital TU Dresden
Classification: Uncertain significance. Last evaluated: 2021-11-03. Review status: criteria provided, single submitter. Criteria: ACMG Guidelines, 2015. Collection method: clinical testing. Allele origin: germline.

Fulgent Genetics
Classification: Uncertain significance for Mitochondrial complex II deficiency, nuclear type 1; Dilated cardiomyopathy 1GG; Pheochromocytoma/paraganglioma syndrome 5; Neurodegeneration with ataxia and late-onset optic atrophy. Last evaluated: 2021-09-16. Review status: criteria provided, single submitter. Criteria: ACMG Guidelines, 2015. Collection method: clinical testing. Allele origin: unknown.

PreventionGenetics, part of Exact Sciences
Classification: Uncertain significance for SDHA-related condition. Last evaluated: 2024-07-23. Review status: no assertion criteria provided. Collection method: clinical testing. Allele origin: germline. Not counted in ClinVar's aggregate classification.
Comment: The SDHA c.1115C>G variant is predicted to result in the amino acid substitution p.Pro372Arg. This variant has been reported as a variant of uncertain significance in an individual with head and neck paragangliomas (van der Tuin et al. 2018. PubMed ID: 29177515; Bausch et al. 2017. PubMed ID: 28384794) and in an individual with small bowel cancer (Riechelmann et al. 2023. PubMed ID: 36947458). This variant is reported in 0.0078% of alleles in individuals of European (Non-Finnish) descent in gnomAD, and is interpreted as a variant of uncertain significance by multiple labs in ClinVar. At this time, the clinical significance of this variant is uncertain due to the absence of conclusive functional and genetic evidence.

Literature cited by the submitters: PubMed 28384794 (cited by Labcorp Genetics (formerly Invitae), Labcorp and Ambry Genetics); PubMed 29177515 (cited by Labcorp Genetics (formerly Invitae), Labcorp and Ambry Genetics); PubMed 39321216 (cited by Labcorp Genetics (formerly Invitae), Labcorp and Ambry Genetics).

NM_004168.4(SDHA):c.1115C>G (p.Pro372Arg)

Gene: SDHA (succinate dehydrogenase complex flavoprotein subunit A; plus strand). Cytogenetic location: 5p15.33.
Variant type: single nucleotide variant.
Coding change: c.1115C>G on transcript NM_004168.4 (MANE Select); coding-DNA position 1115, C replaced by G.
Protein change: p.Pro372Arg; replaces proline 372 with arginine.
Molecular consequence: missense variant.
Genome position (GRCh38, 1-based): chr5:235,194, C>G. VCF-style: chr5-235194-C-G. GRCh37 (hg19) VCF-style: chr5-235309-C-G.
Other names: c.971C>G, p.Pro324Arg (NM_001294332.2); c.1115C>G, p.Pro372Arg (NM_001330758.2); short protein forms P372R, P324R.
Identifiers: ClinVar variation 412361 (VCV000412361.26), dbSNP rs141493530, ClinGen allele CA3173113.